The following is an entry in ClinVar:

NM_181458.4(PAX3):c.123del (p.Gly42fs)

Gene: PAX3 (paired box 3; minus strand). Cytogenetic location: 2q36.1.
Variant type: Deletion.
Coding change: c.123del on transcript NM_181458.4 (MANE Select); coding-DNA position 123, one base deleted (C; older notation c.123delC).
Protein change: p.Gly42fs; shifts the reading frame from glycine 42.
Molecular consequence: frameshift variant.
Genome position (GRCh38, 1-based): chr2:222,297,176, G deleted on the plus strand (C on the coding strand, the reverse complement: PAX3 is on the minus strand). VCF-style (leftmost placement, unchanged base first): chr2-222297175-CG-C. GRCh37 (hg19) VCF-style: chr2-223161894-CG-C.
Other names: c.123del, p.Gly42fs (NM_181459.4, NM_181460.4, NM_181461.4 and 4 more transcripts); short protein forms G42fs.
Identifiers: ClinVar variation 1048553 (VCV001048553.2), dbSNP rs2106204266, ClinGen allele CA2499215690.
Genomic context (GRCh38, chr2:222,297,175, plus strand): 5'-TCTCCACGATCTTGTGGCGGATGTGGTTGGGCAGCGGCCTGCCGTTGATAAAAACACCGC[CG>C]AGCTGGTTGACGCGGCCCTGGCCGAGGGGAGTGGACACTGTGGGAAGGTGAAAAAGAGAA-3'

ClinVar aggregate classification (germline): Pathogenic (1 of 4 stars; one submission).

Conditions:
Waardenburg syndrome type 1 (WS1). Also called: WAARDENBURG SYNDROME WITH DYSTOPIA CANTHORUM; Waardenburg Syndrome Type I. Identifiers: Orphanet 894, MedGen C1847800, MONDO:0008670, OMIM 193500.

Submission:

Precision Medicine Center, Zhengzhou University
Classification: Pathogenic for Waardenburg syndrome type 1. Review status: criteria provided, single submitter. Criteria: ACMG Guidelines, 2015. Collection method: research. Allele origin: germline. Affected: yes. Observed: 4 variant alleles.
Comment: PVS1+PM2+PP3+PP4